The following is an entry in ClinVar:

ClinVar aggregate classification (germline): Uncertain significance. Review status: criteria provided, multiple submitters, no conflicts (2 of 4 stars). 3 submissions from 3 submitters: Uncertain significance (3). Last evaluated 2025-06-27.

Conditions:
Intellectual disability-severe speech delay-mild dysmorphism syndrome (IDDLA). Also called: Mental retardation with language impairment and autistic features; Intellectual developmental disorder with language impairment AND with or without autistic features; FOXP1 Syndrome. Identifiers: Orphanet 391372, MedGen C4013764, MONDO:0013352, OMIM 613670.
FOXP1-related disorder. Also called: FOXP1-related condition.

Allele frequency attached by ClinVar (database versions not stated): TOPMed 0.00001 and 0.00002; ExAC 0.00003; gnomAD 0.00003; gnomAD exomes 0.00003; 1000 Genomes Project 30x 0.00016; 1000 Genomes Project 0.00020.

Submissions (3):

Labcorp Genetics (formerly Invitae), Labcorp
Classification: Uncertain significance. Last evaluated: 2025-06-27. Review status: criteria provided, single submitter. Criteria: Invitae Variant Classification Sherloc (09022015). Collection method: clinical testing. Allele origin: germline.
Comment: This sequence change replaces methionine, which is neutral and non-polar, with valine, which is neutral and non-polar, at codon 101 of the FOXP1 protein (p.Met101Val). This variant is present in population databases (rs564508875, gnomAD 0.04%). This missense change has been observed in individual(s) with FOXP1-related clinical features (PMID: 20848658, 25767709, 30564305). In at least one individual the variant was observed to be de novo. This missense change has been observed in at least one individual who was not affected with FOXP1-related conditions (internal data). This variant is also known as M1V. ClinVar contains an entry for this variant (Variation ID: 2159403). Invitae Evidence Modeling of protein sequence and biophysical properties (such as structural, functional, and spatial information, amino acid conservation, physicochemical variation, residue mobility, and thermodynamic stability) indicates that this missense variant is not expected to disrupt FOXP1 protein function with a negative predictive value of 80%. In summary, the available evidence is currently insufficient to determine the role of this variant in disease. Therefore, it has been classified as a Variant of Uncertain Significance.

PreventionGenetics, part of Exact Sciences
Classification: Uncertain significance for FOXP1-related condition. Last evaluated: 2023-01-04. Review status: criteria provided, single submitter. Criteria: ACMG Guidelines, 2015. Collection method: clinical testing. Allele origin: germline.
Comment: The FOXP1 c.1A>G variant is predicted to disrupt the translation initiation site (p.Met1?). This variant can also be referred to as c.301A>G (p.Met101Val) in many other alternative transcripts (eg. NM_032682, NM_001244810, NM_001244816). This variant was reported to occur de novo in a patient with features of a FOXP1-related disorder (Reported as c.301A>G in Song et al 2015. PubMed ID: 25767709). This variant was also reported to be maternally-inherited in a patient with autism and/or developmental delay (Supp. Table 6 g.71102906 in Guo H et al 2018. PubMed ID: 30564305).The c.301A>G variant is reported in 0.038% (8/251384) of alleles in individuals of East Asian descent in gnomAD. At this time, the clinical significance of this variant is uncertain due to the absence of conclusive functional and genetic evidence.

Revvity Omics, Revvity
Classification: Uncertain significance for Intellectual disability-severe speech delay-mild dysmorphism syndrome. Last evaluated: 2021-04-13. Review status: criteria provided, single submitter. Criteria: ACMG Guidelines, 2015. Collection method: clinical testing. Allele origin: germline.

Literature cited by the submitters: PubMed 20848658 (cited by Labcorp Genetics (formerly Invitae), Labcorp); PubMed 25767709 (cited by Labcorp Genetics (formerly Invitae), Labcorp); PubMed 30564305 (cited by Labcorp Genetics (formerly Invitae), Labcorp).

NM_001349338.3(FOXP1):c.301A>G (p.Met101Val)

Gene: FOXP1 (forkhead box P1; minus strand). Cytogenetic location: 3p13.
Variant type: single nucleotide variant.
Coding change: c.301A>G on transcript NM_001349338.3 (MANE Select); coding-DNA position 301, A replaced by G.
Protein change: p.Met101Val; replaces methionine 101 with valine.
Molecular consequence: missense variant. On other transcripts: initiator codon variant (7), non-coding transcript variant (2), intron variant (1).
Genome position (GRCh38, 1-based): chr3:71,053,755, T>C on the plus strand (A>G on the coding strand, the complement: FOXP1 is on the minus strand). VCF-style: chr3-71053755-T-C. GRCh37 (hg19) VCF-style: chr3-71102906-T-C.
Other names: c.301A>G, p.Met101Val (NM_001244808.3, NM_001244810.2, NM_001244814.3 and 4 more transcripts); c.1A>G, p.Met1Val (NM_001244813.3, NM_001244815.2, NM_001349337.2 and 4 more transcripts); c.1A>G (NM_001244813.1); c.283-6660A>G (NM_001244812.3); short protein forms M101V, M1V.
Identifiers: ClinVar variation 2159403 (VCV002159403.9), dbSNP rs564508875, ClinGen allele CA2491283.